The following is an entry in ClinVar:

NM_000256.3(MYBPC3):c.3188T>C (p.Val1063Ala)

Gene: MYBPC3 (myosin binding protein C3; minus strand). Cytogenetic location: 11p11.2.
Variant type: single nucleotide variant.
Coding change: c.3188T>C on transcript NM_000256.3 (MANE Select); coding-DNA position 3188, T replaced by C.
Protein change: p.Val1063Ala; replaces valine 1063 with alanine.
Molecular consequence: missense variant.
Genome position (GRCh38, 1-based): chr11:47,333,559, A>G on the plus strand (T>C on the coding strand, the complement: MYBPC3 is on the minus strand). VCF-style: chr11-47333559-A-G. GRCh37 (hg19) VCF-style: chr11-47355110-A-G.
Other names: c.3188T>C, p.Val1063Ala (LRG_386t1); short protein forms V1063A.
Identifiers: ClinVar variation 636501 (VCV000636501.18), dbSNP rs988454775, ClinGen allele CA221682718.

ClinVar aggregate classification (germline): Uncertain significance. Review status: criteria provided, multiple submitters, no conflicts (2 of 4 stars). 6 submissions from 6 submitters: Uncertain significance (6). Last evaluated 2026-02-02.

Conditions:
Cardiovascular phenotype. Identifiers: MedGen CN230736.
Cardiomyopathy (CMYO). Also called: Cardiomyopathies. Identifiers: Orphanet 167848, MedGen C0878544, MONDO:0004994, HP:0001638. Inheritance: Various modes of inheritance.
Hypertrophic cardiomyopathy. Also called: HYPERTROPHIC MYOCARDIOPATHY. Identifiers: Orphanet 217569, MedGen C0007194, MeSH D002312, MONDO:0005045, HP:0001639.

Allele frequency attached by ClinVar (database versions not stated): gnomAD exomes below 0.00001 and 0.00001; TOPMed below 0.00001.
gnomAD v4.1: 8 of 1,600,050 alleles (0.0005%); highest among the groups gnomAD compares: Non-Finnish European, 0.00051%; no homozygotes.

Submissions (6):

Labcorp Genetics (formerly Invitae), Labcorp
Classification: Uncertain significance for Hypertrophic cardiomyopathy. Last evaluated: 2026-02-02. Review status: criteria provided, single submitter. Criteria: Invitae Variant Classification Sherloc (09022015). Collection method: clinical testing. Allele origin: germline.
Comment: This sequence change replaces valine, which is neutral and non-polar, with alanine, which is neutral and non-polar, at codon 1063 of the MYBPC3 protein (p.Val1063Ala). This variant is not present in population databases (gnomAD no frequency). This variant has not been reported in the literature in individuals affected with MYBPC3-related conditions. ClinVar contains an entry for this variant (Variation ID: 636501). An algorithm developed to predict the effect of missense changes on protein structure and function (PolyPhen-2) suggests that this variant is likely to be tolerated. In summary, the available evidence is currently insufficient to determine the role of this variant in disease. Therefore, it has been classified as a Variant of Uncertain Significance.

Ambry Genetics
Classification: Uncertain significance for Cardiovascular phenotype. Last evaluated: 2025-08-29. Review status: criteria provided, single submitter. Criteria: Ambry Variant Classification Scheme 2023. Collection method: clinical testing. Allele origin: germline.

GeneDx
Classification: Uncertain significance. Last evaluated: 2025-08-05. Review status: criteria provided, single submitter. Criteria: GeneDx Variant Classification Process June 2021. Collection method: clinical testing. Allele origin: germline. Affected: yes.
Comment: Not observed at significant frequency in large population cohorts (gnomAD); In silico analysis supports that this missense variant has a deleterious effect on protein structure/function; Has not been previously published as pathogenic or benign to our knowledge

Blueprint Genetics
Classification: Uncertain significance. Last evaluated: 2024-03-01. Review status: criteria provided, single submitter. Criteria: ACMG Guidelines, 2015. Collection method: clinical testing. Allele origin: germline.

Color Diagnostics, LLC DBA Color Health
Classification: Uncertain significance for Cardiomyopathy. Last evaluated: 2024-02-07. Review status: criteria provided, single submitter. Criteria: ACMG Guidelines, 2015. Collection method: clinical testing. Allele origin: germline.
Comment: This missense variant replaces valine with alanine at codon 1063 of the MYBPC3 protein. Computational prediction tools indicate that this variant has a neutral impact on protein structure and function. To our knowledge, functional studies have not been reported for this variant. This variant has not been reported in individuals affected with MYBPC3-related disorders in the literature. This variant has been identified in 1/239180 chromosomes in the general population by the Genome Aggregation Database (gnomAD). The available evidence is insufficient to determine the role of this variant in disease conclusively. Therefore, this variant is classified as a Variant of Uncertain Significance.

All of Us Research Program, National Institutes of Health
Classification: Uncertain significance for Hypertrophic cardiomyopathy. Last evaluated: 2023-12-01. Review status: criteria provided, single submitter. Criteria: ACMG Guidelines, 2015. Collection method: clinical testing. Allele origin: germline. Inheritance: Autosomal dominant inheritance. Observed: 2 variant alleles, 2 heterozygotes.
Comment: This missense variant replaces valine with alanine at codon 1063 of the MYBPC3 protein. Computational prediction suggests that this variant may not impact protein structure and function (internally defined REVEL score threshold <= 0.5, PMID: 27666373). To our knowledge, functional studies have not been reported for this variant. This variant has not been reported in individuals affected with cardiovascular disorders in the literature. This variant has been identified in 1/239180 chromosomes in the general population by the Genome Aggregation Database (gnomAD). The available evidence is insufficient to determine the role of this variant in disease conclusively. Therefore, this variant is classified as a Variant of Uncertain Significance.

This study involves interpretation of variants in research participants for the purpose of population health screening. Participant phenotype was not available at the time of variant classification. Additional details can be found in publication PMID: 35346344, PMCID: PMC8962531